The following is an entry in ClinVar:

ClinVar aggregate classification (germline): Uncertain significance. Review status: criteria provided, multiple submitters, no conflicts (2 of 4 stars). 2 submissions from 2 submitters: Uncertain significance (2). Last evaluated 2025-12-29.

Conditions:
Inborn genetic diseases. Identifiers: MedGen C0950123, MeSH D030342.
Combined oxidative phosphorylation defect type 27. Also called: Combined oxidative phosphorylation deficiency 27. Identifiers: Orphanet 477774, MedGen C5567608, MONDO:0014728, OMIM 616672.

Allele frequency attached by ClinVar (database versions not stated): ExAC 0.00003; gnomAD exomes 0.00007; 1000 Genomes Project 30x 0.00016; gnomAD 0.00017; TOPMed 0.00019; 1000 Genomes Project 0.00020.
gnomAD v4.1: 86 of 1,609,530 alleles (0.0053%); highest among the groups gnomAD compares: Admixed American, 0.054%; no homozygotes.

Submissions (2):

Labcorp Genetics (formerly Invitae), Labcorp
Classification: Uncertain significance for Combined oxidative phosphorylation defect type 27. Last evaluated: 2025-12-29. Review status: criteria provided, single submitter. Criteria: Invitae Variant Classification Sherloc (09022015). Collection method: clinical testing. Allele origin: germline.
Comment: This sequence change replaces arginine, which is basic and polar, with glutamine, which is neutral and polar, at codon 492 of the CARS2 protein (p.Arg492Gln). This variant is present in population databases (rs564455691, gnomAD 0.03%). This variant has not been reported in the literature in individuals affected with CARS2-related conditions. ClinVar contains an entry for this variant (Variation ID: 852859). Invitae Evidence Modeling of protein sequence and biophysical properties (such as structural, functional, and spatial information, amino acid conservation, physicochemical variation, residue mobility, and thermodynamic stability) indicates that this missense variant is not expected to disrupt CARS2 protein function with a negative predictive value of 80%. In summary, the available evidence is currently insufficient to determine the role of this variant in disease. Therefore, it has been classified as a Variant of Uncertain Significance.

Ambry Genetics
Classification: Uncertain significance for Inborn genetic diseases. Last evaluated: 2025-03-27. Review status: criteria provided, single submitter. Criteria: Ambry Variant Classification Scheme 2023. Collection method: clinical testing. Allele origin: germline.

NM_024537.4(CARS2):c.1475G>A (p.Arg492Gln)

Gene: CARS2 (cysteinyl-tRNA synthetase 2, mitochondrial; minus strand). Cytogenetic location: 13q34.
Variant type: single nucleotide variant.
Coding change: c.1475G>A on transcript NM_024537.4 (MANE Select); coding-DNA position 1475, G replaced by A.
Protein change: p.Arg492Gln; replaces arginine 492 with glutamine.
Molecular consequence: missense variant. On other transcripts: non-coding transcript variant (2).
Genome position (GRCh38, 1-based): chr13:110,642,463, C>T on the plus strand (G>A on the coding strand, the complement: CARS2 is on the minus strand). VCF-style: chr13-110642463-C-T. GRCh37 (hg19) VCF-style: chr13-111294810-C-T.
Other names: c.689G>A, p.Arg230Gln (NM_001352252.2); c.1475G>A (NM_024537.2); short protein forms R230Q, R492Q.
Identifiers: ClinVar variation 852859 (VCV000852859.7), dbSNP rs564455691, ClinGen allele CA7051640.